The following is an entry in ClinVar:

NM_004260.4(RECQL4):c.721G>C (p.Ala241Pro)

Gene: RECQL4 (RecQ like helicase 4; minus strand). Cytogenetic location: 8q24.3.
Variant type: single nucleotide variant.
Coding change: c.721G>C on transcript NM_004260.4 (MANE Select); coding-DNA position 721, G replaced by C.
Protein change: p.Ala241Pro; replaces alanine 241 with proline.
Molecular consequence: missense variant.
Genome position (GRCh38, 1-based): chr8:144,516,398, C>G on the plus strand (G>C on the coding strand, the complement: RECQL4 is on the minus strand). VCF-style: chr8-144516398-C-G. GRCh37 (hg19) VCF-style: chr8-145741782-C-G.
Other names: short protein forms A241P.
Identifiers: ClinVar variation 1063236 (VCV001063236.3), dbSNP rs1815000155, ClinGen allele CA372689525.
Genomic context (GRCh38, chr8:144,516,398, plus strand): 5'-TCTCGCCTCCACTGCTGCTGGGCTGGGGGCTCCCCACACGGATGCTGACTTCTTGGAAGG[C>G]TGAAGCCTCTGGGCCCTGGGAGCCAGCACCAGGACCAAGGACAGCCGACTCACCAGGGAT-3'
Protein context (NP_004251.4, residues 231-251): GAGSQGPEAS[Ala241Pro]FQEVSIRVGS

ClinVar aggregate classification (germline): Uncertain significance (1 of 4 stars; one submission).

Conditions:
Baller-Gerold syndrome (BGS). Also called: CRANIOSYNOSTOSIS WITH RADIAL DEFECTS. Identifiers: Orphanet 1225, MedGen C0265308, MONDO:0009039, OMIM 218600.

Submission:

Labcorp Genetics (formerly Invitae), Labcorp
Classification: Uncertain significance for Baller-Gerold syndrome. Last evaluated: 2020-03-19. Review status: criteria provided, single submitter. Criteria: Invitae Variant Classification Sherloc (09022015). Collection method: clinical testing. Allele origin: germline.
Comment: This sequence change replaces alanine with proline at codon 241 of the RECQL4 protein (p.Ala241Pro). The alanine residue is moderately conserved and there is a small physicochemical difference between alanine and proline. In summary, the available evidence is currently insufficient to determine the role of this variant in disease. Therefore, it has been classified as a Variant of Uncertain Significance. Experimental studies and prediction algorithms are not available or were not evaluated, and the functional significance of this variant is currently unknown. This variant has not been reported in the literature in individuals with RECQL4-related conditions. This variant is not present in population databases (ExAC no frequency).